The following is an entry in ClinVar:

ClinVar aggregate classification (germline): Conflicting classifications of pathogenicity. Review status: criteria provided, conflicting classifications (1 of 4 stars). 2 submissions from 2 submitters: Pathogenic (1); Uncertain significance (1). Last evaluated 2024-07-02.

Conditions:
Ritscher-Schinzel syndrome. Also called: CRANIOCEREBELLOCARDIAC DYSPLASIA. Identifiers: Orphanet 7, MedGen C0796137, MONDO:0019078.
Hereditary spastic paraplegia 8 (SPG8). Also called: SPASTIC PARAPLEGIA 8, AUTOSOMAL DOMINANT. Identifiers: Orphanet 100989, MedGen C1863704, MONDO:0011339, OMIM 603563.

Allele frequency attached by ClinVar (database versions not stated): gnomAD exomes below 0.00001.

Submissions (2):

Labcorp Genetics (formerly Invitae), Labcorp
Classification: Pathogenic for Ritscher-Schinzel syndrome; Hereditary spastic paraplegia 8. Last evaluated: 2024-07-02. Review status: criteria provided, single submitter. Criteria: Invitae Variant Classification Sherloc (09022015). Collection method: clinical testing. Allele origin: germline.
Comment: This sequence change creates a premature translational stop signal (p.Tyr235*) in the WASHC5 gene. It is expected to result in an absent or disrupted protein product. Loss-of-function variants in WASHC5 are known to be pathogenic (PMID: 24065355). This variant is not present in population databases (gnomAD no frequency). This variant has not been reported in the literature in individuals affected with WASHC5-related conditions. ClinVar contains an entry for this variant (Variation ID: 570249). For these reasons, this variant has been classified as Pathogenic.

GeneDx
Classification: Uncertain significance. Last evaluated: 2022-04-19. Review status: criteria provided, single submitter. Criteria: GeneDx Variant Classification Process June 2021. Collection method: clinical testing. Allele origin: germline. Affected: yes.
Comment: Not observed at significant frequency in large population cohorts (gnomAD); Nonsense variant predicted to result in protein truncation or nonsense mediated decay in a gene or region of a gene for which loss of function is not a well-established mechanism of disease; Has not been previously published as pathogenic or benign to our knowledge

Literature cited by the submitters: PubMed 24065355 (cited by Labcorp Genetics (formerly Invitae), Labcorp).

NM_014846.4(WASHC5):c.704dup (p.Tyr235Ter)

Gene: WASHC5 (WASH complex subunit 5; minus strand). Cytogenetic location: 8q24.13.
Variant type: Duplication.
Coding change: c.704dup on transcript NM_014846.4 (MANE Select); coding-DNA position 704, one base duplicated (A; older notation c.704dupA).
Protein change: p.Tyr235Ter; replaces tyrosine 235 with a stop codon.
Molecular consequence: nonsense.
Genome position (GRCh38, 1-based): chr8:125,078,745, T duplicated on the plus strand (A on the coding strand, the reverse complement: WASHC5 is on the minus strand). VCF-style (leftmost placement, unchanged base first): chr8-125078744-G-GT. GRCh37 (hg19) VCF-style: chr8-126090986-G-GT.
Other names: c.704dupA (NM_014846.3); c.260dup, p.Tyr87Ter (NM_001330609.2); short protein forms Y87*, Y235*.
Identifiers: ClinVar variation 570249 (VCV000570249.48), dbSNP rs1563633906, ClinGen allele CA891842498.